The following is an entry in ClinVar:

NM_032656.4(DHX37):c.932C>T (p.Ala311Val)

Gene: DHX37 (DEAH-box helicase 37; minus strand). Cytogenetic location: 12q24.31.
Variant type: single nucleotide variant.
Coding change: c.932C>T on transcript NM_032656.4 (MANE Select); coding-DNA position 932, C replaced by T.
Protein change: p.Ala311Val; replaces alanine 311 with valine.
Molecular consequence: missense variant.
Genome position (GRCh38, 1-based): chr12:124,975,467, G>A on the plus strand (C>T on the coding strand, the complement: DHX37 is on the minus strand). VCF-style: chr12-124975467-G-A. GRCh37 (hg19) VCF-style: chr12-125460013-G-A.
Other names: short protein forms A311V.
Identifiers: ClinVar variation 2643581 (VCV002643581.24), dbSNP rs1275700297, ClinGen allele CA387226915.

ClinVar aggregate classification (germline): Uncertain significance (1 of 4 stars; one submission).

Allele frequency attached by ClinVar (database versions not stated): TOPMed below 0.00001.
gnomAD v4.1: 1 of 1,612,870 alleles (0.000062%); no homozygotes.

Submission:

CeGaT Center for Human Genetics Tuebingen
Classification: Uncertain significance. Last evaluated: 2023-08-01. Review status: criteria provided, single submitter. Criteria: CeGaT Center For Human Genetics Tuebingen Variant Classification Criteria Version 2. Collection method: clinical testing. Allele origin: germline. Affected: yes. Observed: 1 variant allele.
Comment: DHX37: PM2, BP4